The following is an entry in ClinVar:

ClinVar aggregate classification (germline): Uncertain significance (1 of 4 stars; one submission).

Conditions:
Marfan syndrome (MFS). Also called: MARFAN SYNDROME, TYPE I; Marfan syndrome type 1; Marfan's syndrome; Marfan syndrome, classic; FBN1-Related Marfan Syndrome. Identifiers: Orphanet 284963, Orphanet 558, MedGen C0024796, MONDO:0007947, OMIM 154700.

Submission:

All of Us Research Program, National Institutes of Health
Classification: Uncertain significance for Marfan syndrome. Last evaluated: 2023-08-28. Review status: criteria provided, single submitter. Criteria: ACMG Guidelines, 2015. Collection method: clinical testing. Allele origin: germline. Inheritance: Autosomal dominant inheritance. Observed: 1 variant allele, 1 heterozygote.
Comment: This missense variant replaces aspartic acid with asparagine at codon 1092 of the FBN1 protein. Computational prediction suggests that this variant may not impact protein structure and function (internally defined REVEL score threshold <= 0.5, PMID: 27666373). To our knowledge, functional studies have not been reported for this variant. This variant has not been reported in individuals affected with FBN1-related disorders in the literature. This variant has not been identified in the general population by the Genome Aggregation Database (gnomAD). The available evidence is insufficient to determine the role of this variant in disease conclusively. Therefore, this variant is classified as a Variant of Uncertain Significance.

This study involves interpretation of variants in research participants for the purpose of population health screening. Participant phenotype was not available at the time of variant classification. Additional details can be found in publication PMID: 35346344, PMCID: PMC8962531

NM_000138.5(FBN1):c.3274G>A (p.Asp1092Asn)

Gene: FBN1 (fibrillin 1; minus strand). Cytogenetic location: 15q21.1.
Variant type: single nucleotide variant.
Coding change: c.3274G>A on transcript NM_000138.5 (MANE Select); coding-DNA position 3274, G replaced by A.
Protein change: p.Asp1092Asn; replaces aspartic acid 1092 with asparagine.
Molecular consequence: missense variant.
Genome position (GRCh38, 1-based): chr15:48,488,176, C>T on the plus strand (G>A on the coding strand, the complement: FBN1 is on the minus strand). VCF-style: chr15-48488176-C-T. GRCh37 (hg19) VCF-style: chr15-48780373-C-T.
Other names: c.3274G>A, p.Asp1092Asn (NM_001406716.1); short protein forms D1092N.
Identifiers: ClinVar variation 3073186 (VCV003073186.1), dbSNP rs2043525027, ClinGen allele CA392327336.